The following is an entry in ClinVar:

ClinVar aggregate classification (germline): Likely pathogenic (1 of 4 stars; one submission).

Conditions:
Spermatogenic failure 78. Identifiers: MedGen C5774276, MONDO:0859338, OMIM 620170.

Submission:

First Genomix Gene Laboratory, Genetic Diagnostics Department
Classification: Likely pathogenic for Spermatogenic failure 78. Last evaluated: 2025-06-02. Review status: criteria provided, single submitter. Criteria: ACMG Guidelines, 2015. Collection method: clinical testing. Allele origin: germline. Inheritance: Autosomal recessive inheritance. Affected: no. Observed: 1 variant allele.

NM_001145304.2(IQCN):c.1523dup (p.Leu508fs)

Gene: IQCN (IQ motif containing N; minus strand). Cytogenetic location: 19p13.11.
Variant type: Duplication.
Coding change: c.1523dup on transcript NM_001145304.2 (MANE Select); coding-DNA position 1523, one base duplicated (T; older notation c.1523dupT).
Protein change: p.Leu508fs; shifts the reading frame from leucine 508.
Molecular consequence: frameshift variant.
Genome position (GRCh38, 1-based): chr19:18,266,017, A duplicated on the plus strand (T on the coding strand, the reverse complement: IQCN is on the minus strand); the first of 2 consecutive A bases (chr19:18,266,017-18,266,018); duplicating either gives the same sequence. VCF-style (leftmost placement, unchanged base first): chr19-18266016-T-TA. GRCh37 (hg19) VCF-style: chr19-18376826-T-TA.
Other names: c.1385dup, p.Leu462fs (NM_001145305.2); c.1523dup, p.Leu508fs (NM_025249.4); c.1523dupT (NM_001145304.2); short protein forms L462fs, L508fs.
Identifiers: ClinVar variation 4849442 (VCV004849442.1).